The following is an entry in ClinVar:

ClinVar aggregate classification (germline): Uncertain significance (1 of 4 stars; one submission).

Conditions:
Familial cancer of breast. Also called: hereditary breast carcinoma; BREAST CANCER, FAMILIAL; Hereditary breast cancer. Identifiers: Orphanet 227535, MedGen C0346153, MONDO:0016419, OMIM 114480. Disease mechanism: loss of function.

Submission:

Labcorp Genetics (formerly Invitae), Labcorp
Classification: Uncertain significance for Familial cancer of breast. Last evaluated: 2025-04-30. Review status: criteria provided, single submitter. Criteria: Invitae Variant Classification Sherloc (09022015). Collection method: clinical testing. Allele origin: germline.
Comment: This sequence change replaces serine, which is neutral and polar, with phenylalanine, which is neutral and non-polar, at codon 363 of the BARD1 protein (p.Ser363Phe). This variant is not present in population databases (gnomAD no frequency). This variant has not been reported in the literature in individuals affected with BARD1-related conditions. ClinVar contains an entry for this variant (Variation ID: 1469974). An algorithm developed to predict the effect of missense changes on protein structure and function (PolyPhen-2) suggests that this variant is likely to be disruptive. In summary, the available evidence is currently insufficient to determine the role of this variant in disease. Therefore, it has been classified as a Variant of Uncertain Significance.

NM_000465.4(BARD1):c.1088C>T (p.Ser363Phe)

Gene: BARD1 (BRCA1 associated RING domain 1; minus strand). Cytogenetic location: 2q35.
Variant type: single nucleotide variant.
Coding change: c.1088C>T on transcript NM_000465.4 (MANE Select); coding-DNA position 1088, C replaced by T.
Protein change: p.Ser363Phe; replaces serine 363 with phenylalanine.
Molecular consequence: missense variant. On other transcripts: non-coding transcript variant (2), intron variant (3).
Genome position (GRCh38, 1-based): chr2:214,780,786, G>A on the plus strand (C>T on the coding strand, the complement: BARD1 is on the minus strand). VCF-style: chr2-214780786-G-A. GRCh37 (hg19) VCF-style: chr2-215645510-G-A.
Other names: c.1031C>T, p.Ser344Phe (NM_001282543.2); c.159-28231C>T (NM_001282548.2); c.215+16275C>T (NM_001282545.2); c.364+11511C>T (NM_001282549.2); short protein forms S344F, S363F.
Identifiers: ClinVar variation 1469974 (VCV001469974.7), dbSNP rs1694962993, ClinGen allele CA350454079.